The following is an entry in ClinVar:

ClinVar aggregate classification (germline): other (0 of 4 stars; one submission).

Conditions:
Malignant tumor of urinary bladder. Also called: Urinary bladder cancer; Urinary Bladder Neoplasms; Bladder cancer. Identifiers: MedGen C0005684, MONDO:0001187, OMIM 109800.

Allele frequency attached by ClinVar (database versions not stated): 1000 Genomes Project 30x 0.00016; 1000 Genomes Project 0.00020; ESP Exome Variant Server 0.00153; TOPMed 0.00199; gnomAD 0.00207 and 0.00209; gnomAD exomes 0.00238.
gnomAD v4.1: 807 of 362,124 alleles (0.22%); highest among the groups gnomAD compares: Admixed American, 0.32%; 4 homozygotes.

Submission:

Gray Institute for Radiation Oncology & Biology, University of Oxford
Classification: other. Review status: no assertion criteria provided. Collection method: not provided. Allele origin: germline.
Comment: Detected by next-generation sequencing & confirmed by Sanger sequencing

NM_005591.4(MRE11):c.1098+1177G>A

Gene: MRE11 (MRE11 double strand break repair nuclease; minus strand). Cytogenetic location: 11q21.
Variant type: single nucleotide variant.
Coding change: c.1098+1177G>A on transcript NM_005591.4 (MANE Select); 1177 bases into the intron after coding-DNA position 1098, G replaced by A.
Molecular consequence: intron variant.
Genome position (GRCh38, 1-based): chr11:94,466,636, C>T on the plus strand (G>A on the coding strand, the complement: MRE11 is on the minus strand). VCF-style: chr11-94466636-C-T. GRCh37 (hg19) VCF-style: chr11-94199802-C-T.
Other names: c.1098+1177G>A (NM_001330347.2, NM_005590.4).
Identifiers: ClinVar variation 60645 (VCV000060645.1), dbSNP rs369782842, ClinGen allele CA144583.